The following is an entry in ClinVar:

ClinVar aggregate classification (germline): Uncertain significance. Review status: criteria provided, multiple submitters, no conflicts (2 of 4 stars). 2 submissions from 2 submitters: Uncertain significance (2). Last evaluated 2025-02-12.

Conditions:
Inborn genetic diseases. Identifiers: MedGen C0950123, MeSH D030342.
Peroxisome biogenesis disorder 9B. Also called: PEX7-Related Refsum Disease; Refsum disease, adult, 2; PEROXISOME BIOGENESIS DISORDER, PEX7-RELATED, ATYPICAL. Identifiers: Orphanet 773, MedGen C2749346, MONDO:0013945, OMIM 614879.

Allele frequency attached by ClinVar (database versions not stated): ExAC 0.00001; gnomAD exomes 0.00004; gnomAD 0.00001; TOPMed 0.00003.
gnomAD v4.1: 15 of 1,613,606 alleles (0.00093%); highest among the groups gnomAD compares: Admixed American, 0.025%; 1 homozygote.

Submissions (2):

Ambry Genetics
Classification: Uncertain significance for Inborn genetic diseases. Last evaluated: 2025-02-12. Review status: criteria provided, single submitter. Criteria: Ambry Variant Classification Scheme 2023. Collection method: clinical testing. Allele origin: germline.

Labcorp Genetics (formerly Invitae), Labcorp
Classification: Uncertain significance for Peroxisome biogenesis disorder 9B. Last evaluated: 2024-10-24. Review status: criteria provided, single submitter. Criteria: Invitae Variant Classification Sherloc (09022015). Collection method: clinical testing. Allele origin: germline.
Comment: This sequence change replaces alanine, which is neutral and non-polar, with glycine, which is neutral and non-polar, at codon 56 of the PEX7 protein (p.Ala56Gly). This variant is present in population databases (rs765902458, gnomAD 0.03%). This variant has not been reported in the literature in individuals affected with PEX7-related conditions. ClinVar contains an entry for this variant (Variation ID: 1387326). An algorithm developed to predict the effect of missense changes on protein structure and function (PolyPhen-2) suggests that this variant¬†is likely to be tolerated. In summary, the available evidence is currently insufficient to determine the role of this variant in disease. Therefore, it has been classified as a Variant of Uncertain Significance.

NM_000288.4(PEX7):c.167C>G (p.Ala56Gly)

Gene: PEX7 (peroxisomal biogenesis factor 7; plus strand). Cytogenetic location: 6q23.3.
Variant type: single nucleotide variant.
Coding change: c.167C>G on transcript NM_000288.4 (MANE Select); coding-DNA position 167, C replaced by G.
Protein change: p.Ala56Gly; replaces alanine 56 with glycine.
Molecular consequence: missense variant.
Genome position (GRCh38, 1-based): chr6:136,825,250, C>G. VCF-style: chr6-136825250-C-G. GRCh37 (hg19) VCF-style: chr6-137146388-C-G.
Other names: c.167C>G (NM_000288.3); short protein forms A56G.
Identifiers: ClinVar variation 1387326 (VCV001387326.5), dbSNP rs765902458, ClinGen allele CA4017505.